The following is an entry in ClinVar:

ClinVar aggregate classification (germline): Likely pathogenic (1 of 4 stars; one submission).

Conditions:
Meckel-Gruber syndrome. Also called: DYSENCEPHALIA SPLANCHNOCYSTICA; GRUBER SYNDROME; Dysencephalia splachnocystica. Identifiers: Orphanet 564, MedGen C0265215, MONDO:0018921.
Joubert syndrome. Also called: CEREBELLOPARENCHYMAL DISORDER IV; JOUBERT-BOLTSHAUSER SYNDROME; Familial aplasia of the vermis. Identifiers: Orphanet 475, MedGen C5979921, MONDO:0018772.

Submission:

Labcorp Genetics (formerly Invitae), Labcorp
Classification: Likely pathogenic for Joubert syndrome; Meckel-Gruber syndrome. Last evaluated: 2021-11-24. Review status: criteria provided, single submitter. Criteria: Invitae Variant Classification Sherloc (09022015). Collection method: clinical testing. Allele origin: germline.
Comment: In summary, the currently available evidence indicates that the variant is pathogenic, but additional data are needed to prove that conclusively. Therefore, this variant has been classified as Likely Pathogenic. Algorithms developed to predict the effect of sequence changes on RNA splicing suggest that this variant may disrupt the consensus splice site. This variant has not been reported in the literature in individuals affected with RPGRIP1L-related conditions. This variant is not present in population databases (gnomAD no frequency). This sequence change affects a donor splice site in intron 11 of the RPGRIP1L gene. It is expected to disrupt RNA splicing. Variants that disrupt the donor or acceptor splice site typically lead to a loss of protein function (PMID: 16199547), and loss-of-function variants in RPGRIP1L are known to be pathogenic (PMID: 17558409).

Literature cited by the submitters: PubMed 16199547; PubMed 17558409.

NM_015272.5(RPGRIP1L):c.1350+1G>A

Gene: RPGRIP1L (RPGRIP1 like; minus strand). Cytogenetic location: 16q12.2.
Variant type: single nucleotide variant.
Coding change: c.1350+1G>A on transcript NM_015272.5 (MANE Select); the canonical splice donor site of the intron after coding-DNA position 1350, G replaced by A.
Molecular consequence: splice donor variant.
Genome position (GRCh38, 1-based): chr16:53,658,771, C>T on the plus strand (G>A on the coding strand, the complement: RPGRIP1L is on the minus strand). VCF-style: chr16-53658771-C-T. GRCh37 (hg19) VCF-style: chr16-53692683-C-T.
Other names: c.1350+1G>A (NM_001127897.4, NM_001330538.2, NM_001308334.3).
Identifiers: ClinVar variation 1470968 (VCV001470968.6), dbSNP rs761435025, ClinGen allele CA395920070.